The following is an entry in ClinVar:

ClinVar aggregate classification (germline): Uncertain significance (1 of 4 stars; one submission).

Submission:

GeneDx
Classification: Uncertain significance. Last evaluated: 2022-06-27. Review status: criteria provided, single submitter. Criteria: GeneDx Variant Classification Process June 2021. Collection method: clinical testing. Allele origin: germline. Affected: yes.
Comment: Not observed at significant frequency in large population cohorts (gnomAD); In silico analysis supports that this missense variant has a deleterious effect on protein structure/function; Has not been previously published as pathogenic or benign to our knowledge

NM_006941.4(SOX10):c.368C>A (p.Ala123Glu)

Genes: POLR2F (RNA polymerase II, I and III subunit F; plus strand), SOX10 (SRY-box transcription factor 10; minus strand). Cytogenetic location: 22q13.1.
Variant type: single nucleotide variant.
Coding change: c.368C>A on transcript NM_006941.4 (MANE Select); coding-DNA position 368, C replaced by A.
Protein change: p.Ala123Glu; replaces alanine 123 with glutamic acid.
Molecular consequence: missense variant. On other transcripts: intron variant (3).
Genome position (GRCh38, 1-based): chr22:37,983,417, G>T on the plus strand (C>A on the coding strand, the complement: SOX10 is on the minus strand). VCF-style: chr22-37983417-G-T. GRCh37 (hg19) VCF-style: chr22-38379424-G-T.
Other names: c.*38+11107G>T (NM_001363825.1); c.294-2737G>T (NM_001301130.2); c.293+16247G>T (NM_001301131.2); short protein forms A123E.
Identifiers: ClinVar variation 1809984 (VCV001809984.1), dbSNP rs1387386886, ClinGen allele CA411500301.